The following is an entry in ClinVar:

NM_000179.3(MSH6):c.1766_1767del (p.Tyr589fs)

Gene: MSH6 (mutS homolog 6; plus strand). Cytogenetic location: 2p16.3.
Variant type: Deletion.
Coding change: c.1766_1767del on transcript NM_000179.3 (MANE Select); coding-DNA positions 1766 to 1767, 2 bases deleted (AT; older notation c.1766_1767delAT).
Protein change: p.Tyr589fs; shifts the reading frame from tyrosine 589.
Molecular consequence: frameshift variant.
Genome position (GRCh38, 1-based): chr2:47,799,749-47,799,750, AT deleted; deleting any 2 consecutive bases within chr2:47,799,748-47,799,750 gives the same sequence; the c. name uses the placement nearest the transcript's 3' end. VCF-style (leftmost placement, unchanged base first): chr2-47799747-CTA-C. GRCh37 (hg19) VCF-style: chr2-48026886-CTA-C.
Other names: c.1376_1377del, p.Tyr459fs (NM_001281492.2); c.860_861del, p.Tyr287fs (NM_001281493.2, NM_001281494.2); c.1862_1863delAT, p.Tyr621Serfs (NM_001406795.1, NM_001406802.1); c.1766_1767delAT, p.Tyr589Serfs (NM_001406796.1, NM_001406798.1, NM_001406800.1 and 3 more transcripts); c.1469_1470delAT, p.Tyr490Serfs (NM_001406797.1, NM_001406801.1, NM_001406805.1 and 10 more transcripts); c.1241_1242delAT, p.Tyr414Serfs (NM_001406799.1, NM_001406806.1, NM_001406807.1); c.1688_1689delAT, p.Tyr563Serfs (NM_001406804.1); c.860_861delAT, p.Tyr287Serfs (NM_001406811.1, NM_001406812.1, NM_001406814.1 and 4 more transcripts); and 2 more; short protein forms Y589fs, Y287fs, Y459fs.
Identifiers: ClinVar variation 1779670 (VCV001779670.2), dbSNP rs2530628700, ClinGen allele CA2580067694.

ClinVar aggregate classification (germline): Pathogenic (1 of 4 stars; one submission).

Conditions:
Hereditary cancer-predisposing syndrome. Also called: Neoplastic Syndromes, Hereditary; Tumor predisposition; Hereditary Cancer Syndrome; Hereditary neoplastic syndrome. Identifiers: Orphanet 140162, MedGen C0027672, MeSH D009386, MONDO:0015356.

Submission:

Ambry Genetics
Classification: Pathogenic for Hereditary cancer-predisposing syndrome. Last evaluated: 2019-09-11. Review status: criteria provided, single submitter. Criteria: Ambry Variant Classification Scheme 2023. Collection method: clinical testing. Allele origin: germline.
Comment: The c.1766_1767delAT variant, located in coding exon 4 of the MSH6 gene, results from a deletion of two nucleotides at nucleotide positions 1766 to 1767, causing a translational frameshift with a predicted alternate stop codon (p.Y589Sfs*8). This alteration is expected to result in loss of function by premature protein truncation or nonsense-mediated mRNA decay. As such, this alteration is interpreted as a disease-causing mutation.